The following is an entry in ClinVar:

NM_001013838.3(CARMIL2):c.3253_3254delinsTT (p.Gly1085Leu)

Gene: CARMIL2 (capping protein regulator and myosin 1 linker 2; plus strand). Cytogenetic location: 16q22.1.
Variant type: Indel.
Coding change: c.3253_3254delinsTT on transcript NM_001013838.3 (MANE Select); coding-DNA positions 3253 to 3254, GG replaced by TT.
Protein change: p.Gly1085Leu; replaces glycine 1085 with leucine.
Molecular consequence: missense variant.
Genome position (GRCh38, 1-based): chr16:67,654,363-67,654,364, GG replaced by TT. VCF-style: chr16-67654363-GG-TT. GRCh37 (hg19) VCF-style: chr16-67688266-GG-TT.
Other names: c.3145_3146delinsTT, p.Gly1049Leu (NM_001317026.3, NM_001438244.1, NM_001438835.1); short protein forms G1085L, G1049L.
Identifiers: ClinVar variation 4734316 (VCV004734316.1).

ClinVar aggregate classification (germline): Uncertain significance (1 of 4 stars; one submission).

Submission:

Labcorp Genetics (formerly Invitae), Labcorp
Classification: Uncertain significance. Last evaluated: 2026-01-04. Review status: criteria provided, single submitter. Criteria: Invitae Variant Classification Sherloc (09022015). Collection method: clinical testing. Allele origin: germline.
Comment: This sequence change replaces glycine, which is neutral and non-polar, with leucine, which is neutral and non-polar, at codon 1085 of the CARMIL2 protein (p.Gly1085Leu). Information on the frequency of this variant in the gnomAD database is not available, as this variant may be reported differently in the database. This variant has not been reported in the literature in individuals affected with CARMIL2-related conditions. An algorithm developed to predict the effect of missense changes on protein structure and function (PolyPhen-2) suggests that this variant is likely to be disruptive. In summary, the available evidence is currently insufficient to determine the role of this variant in disease. Therefore, it has been classified as a Variant of Uncertain Significance.